The following is an entry in ClinVar:

NM_001042492.3(NF1):c.3035A>G (p.Lys1012Arg)

Gene: NF1 (neurofibromin 1; plus strand). Cytogenetic location: 17q11.2.
Variant type: single nucleotide variant.
Coding change: c.3035A>G on transcript NM_001042492.3 (MANE Select); coding-DNA position 3035, A replaced by G.
Protein change: p.Lys1012Arg; replaces lysine 1012 with arginine.
Molecular consequence: missense variant.
Genome position (GRCh38, 1-based): chr17:31,230,304, A>G. VCF-style: chr17-31230304-A-G. GRCh37 (hg19) VCF-style: chr17-29557322-A-G.
Other names: c.3035A>G, p.Lys1012Arg (NM_000267.4); short protein forms K1012R.
Identifiers: ClinVar variation 822678 (VCV000822678.4), dbSNP rs1597716883, ClinGen allele CA398987329.
Genomic context (GRCh38, chr17:31,230,304, plus strand): 5'-TTCTATGTCTATATAGGTATGTTCGTGTGCTTGGGAATATGGTCCATGCAATTCAAATAA[A>G]AACGAAACTGTGTCAATTAGTTGAAGTAATGATGGCAAGGAGAGATGACCTCTCATTTTG-3'
Protein context (NP_001035957.1, residues 1002-1022): LGNMVHAIQI[Lys1012Arg]TKLCQLVEVM

ClinVar aggregate classification (germline): Uncertain significance (1 of 4 stars; one submission).

Conditions:
Cardiovascular phenotype. Identifiers: MedGen CN230736.
Hereditary cancer-predisposing syndrome. Also called: Tumor predisposition; Hereditary Cancer Syndrome; Neoplastic Syndromes, Hereditary; Hereditary neoplastic syndrome. Identifiers: Orphanet 140162, MedGen C0027672, MeSH D009386, MONDO:0015356.

Submission:

Ambry Genetics
Classification: Uncertain significance for Cardiovascular phenotype; Hereditary cancer-predisposing syndrome. Last evaluated: 2018-04-23. Review status: criteria provided, single submitter. Criteria: Ambry Variant Classification Scheme 2023. Collection method: clinical testing. Allele origin: germline.
Comment: The p.K1012R variant (also known as c.3035A>G), located in coding exon 23 of the NF1 gene, results from an A to G substitution at nucleotide position 3035. The lysine at codon 1012 is replaced by arginine, an amino acid with highly similar properties. This amino acid position is highly conserved in available vertebrate species. In addition, the in silico prediction for this alteration is inconclusive. Since supporting evidence is limited at this time, the clinical significance of this alteration remains unclear.